The following is an entry in ClinVar:

NM_004586.3(RPS6KA3):c.543A>G (p.Leu181=)

Gene: RPS6KA3 (ribosomal protein S6 kinase A3; minus strand). Cytogenetic location: Xp22.12.
Variant type: single nucleotide variant.
Coding change: c.543A>G on transcript NM_004586.3 (MANE Select); coding-DNA position 543, A replaced by G.
Protein change: p.Leu181=; no amino-acid change (leucine 181 retained).
Molecular consequence: synonymous variant.
Genome position (GRCh38, 1-based): chrX:20,193,537, T>C on the plus strand (A>G on the coding strand, the complement: RPS6KA3 is on the minus strand). VCF-style: chrX-20193537-T-C. GRCh37 (hg19) VCF-style: chrX-20211655-T-C.
Other names: c.543A>G (NM_004586.2).
Identifiers: ClinVar variation 3761733 (VCV003761733.3).

ClinVar aggregate classification (germline): Benign/Likely benign. Review status: criteria provided, multiple submitters, no conflicts (2 of 4 stars). 2 submissions from 2 submitters: Benign (1); Likely benign (1). Last evaluated 2026-04-07.

Conditions:
Coffin-Lowry syndrome (CLS). Also called: Mental retardation with osteocartilaginous abnormalities; COFFIN-LOWRY SYNDROME, MILD. Identifiers: Orphanet 192, MedGen C0265252, MONDO:0010561, OMIM 303600.
Intellectual developmental disorder, X-linked 19. Also called: Intellectual disability, X-linked 19. Identifiers: Orphanet 777, MedGen C0796225, MONDO:0010447, OMIM 300844.
RPS6KA3-related disorder. Also called: RPS6KA3-related condition.

gnomAD v4.1: 11 of 1,200,499 alleles (0.00092%); highest among the groups gnomAD compares: African/African-American, 0.017%; no homozygotes.

Submissions (2):

PreventionGenetics, part of Exact Sciences
Classification: Likely benign for RPS6KA3-related condition. Last evaluated: 2026-04-07. Review status: criteria provided, single submitter. Criteria: ACMG Guidelines, 2015. Collection method: clinical testing. Allele origin: germline.
Comment: This variant is classified as likely benign based on ACMG/AMP sequence variant interpretation guidelines (Richards et al. 2015 PMID: 25741868, with internal and published modifications).

Labcorp Genetics (formerly Invitae), Labcorp
Classification: Benign for Coffin-Lowry syndrome; Intellectual developmental disorder, X-linked 19. Last evaluated: 2026-01-19. Review status: criteria provided, single submitter. Criteria: Invitae Variant Classification Sherloc (09022015). Collection method: clinical testing. Allele origin: germline.